The following is an entry in ClinVar:

NM_020821.3(VPS13C):c.4165+14A>G

Gene: VPS13C (vacuolar protein sorting 13 homolog C; minus strand). Cytogenetic location: 15q22.2.
Variant type: single nucleotide variant.
Coding change: c.4165+14A>G on transcript NM_020821.3 (MANE Select); 14 bases into the intron after coding-DNA position 4165, A replaced by G.
Molecular consequence: intron variant.
Genome position (GRCh38, 1-based): chr15:61,958,594, T>C on the plus strand (A>G on the coding strand, the complement: VPS13C is on the minus strand). VCF-style: chr15-61958594-T-C. GRCh37 (hg19) VCF-style: chr15-62250793-T-C.
Other names: c.4036+14A>G (NM_017684.5, NM_018080.4); c.4165+14A>G (NM_001018088.3).
Identifiers: ClinVar variation 4779062 (VCV004779062.1).

ClinVar aggregate classification (germline): Uncertain significance (1 of 4 stars; one submission).

gnomAD v4.1: 5 of 1,423,968 alleles (0.00035%); highest among the groups gnomAD compares: Non-Finnish European, 0.00048%; no homozygotes.

Submission:

Labcorp Genetics (formerly Invitae), Labcorp
Classification: Uncertain significance. Last evaluated: 2025-11-21. Review status: criteria provided, single submitter. Criteria: Invitae Variant Classification Sherloc (09022015). Collection method: clinical testing. Allele origin: germline.
Comment: This sequence change falls in intron 37 of the VPS13C gene. It does not directly change the encoded amino acid sequence of the VPS13C protein. This variant is present in population databases (rs762617974, gnomAD 0.002%). This variant has not been reported in the literature in individuals affected with VPS13C-related conditions. Algorithms developed to predict the effect of sequence changes on RNA splicing suggest that this variant may create or strengthen a splice site. In summary, the available evidence is currently insufficient to determine the role of this variant in disease. Therefore, it has been classified as a Variant of Uncertain Significance.